The following is an entry in ClinVar:

NM_004100.5(EYA4):c.1332G>T (p.Gln444His)

Genes: TARID (TCF21 antisense RNA inducing promoter demethylation; minus strand), EYA4 (EYA transcriptional coactivator and phosphatase 4; plus strand). Cytogenetic location: 6q23.2.
Variant type: single nucleotide variant.
Coding change: c.1332G>T on transcript NM_004100.5 (MANE Select); coding-DNA position 1332, G replaced by T.
Protein change: p.Gln444His; replaces glutamine 444 with histidine.
Molecular consequence: missense variant.
Genome position (GRCh38, 1-based): chr6:133,512,771, G>T. VCF-style: chr6-133512771-G-T. GRCh37 (hg19) VCF-style: chr6-133833909-G-T.
Other names: c.1170G>T, p.Gln390His (NM_001301012.2); c.1350G>T, p.Gln450His (NM_001301013.2); c.1263G>T, p.Gln421His (NM_001370458.1, NM_172103.4); c.1188G>T, p.Gln396His (NM_001370459.1); c.1332G>T, p.Gln444His (NM_172105.4); short protein forms Q390H, Q421H, Q396H, Q450H, Q444H.
Identifiers: ClinVar variation 860308 (VCV000860308.9), dbSNP rs1360697925, ClinGen allele CA365714773.

ClinVar aggregate classification (germline): Uncertain significance (1 of 4 stars; one submission).

Conditions:
Dilated cardiomyopathy 1J (CMD1J). Also called: CARDIOMYOPATHY, DILATED, WITH SENSORINEURAL HEARING LOSS, AUTOSOMAL DOMINANT. Identifiers: Orphanet 217622, MedGen C1854368, MONDO:0011541, OMIM 605362.

Allele frequency attached by ClinVar (database versions not stated): gnomAD exomes below 0.00001.
gnomAD v4.1: 1 of 1,612,770 alleles (0.000062%); highest among the groups gnomAD compares: Non-Finnish European, 0.000085%; no homozygotes.

Submission:

Labcorp Genetics (formerly Invitae), Labcorp
Classification: Uncertain significance for Dilated cardiomyopathy 1J. Last evaluated: 2020-09-24. Review status: criteria provided, single submitter. Criteria: Invitae Variant Classification Sherloc (09022015). Collection method: clinical testing. Allele origin: germline.
Comment: In summary, the available evidence is currently insufficient to determine the role of this variant in disease. Therefore, it has been classified as a Variant of Uncertain Significance. Algorithms developed to predict the effect of missense changes on protein structure and function are either unavailable or do not agree on the potential impact of this missense change (SIFT: "Deleterious"; PolyPhen-2: "Possibly Damaging"; Align-GVGD: "Class C0"). This variant has not been reported in the literature in individuals with EYA4-related conditions. This variant is not present in population databases (ExAC no frequency). This sequence change replaces glutamine with histidine at codon 444 of the EYA4 protein (p.Gln444His). The glutamine residue is highly conserved and there is a small physicochemical difference between glutamine and histidine.